The following is an entry in ClinVar:

NM_003482.4(KMT2D):c.3276T>A (p.Ser1092Arg)

Gene: KMT2D (lysine methyltransferase 2D; minus strand). Cytogenetic location: 12q13.12.
Variant type: single nucleotide variant.
Coding change: c.3276T>A on transcript NM_003482.4 (MANE Select); coding-DNA position 3276, T replaced by A.
Protein change: p.Ser1092Arg; replaces serine 1092 with arginine.
Molecular consequence: missense variant.
Genome position (GRCh38, 1-based): chr12:49,050,312, A>T on the plus strand (T>A on the coding strand, the complement: KMT2D is on the minus strand). VCF-style: chr12-49050312-A-T. GRCh37 (hg19) VCF-style: chr12-49444095-A-T.
Other names: short protein forms S1092R.
Identifiers: ClinVar variation 4801252 (VCV004801252.1).

ClinVar aggregate classification (germline): Uncertain significance (1 of 4 stars; one submission).

Conditions:
Kabuki syndrome. Also called: NIIKAWA-KUROKI SYNDROME; Kabuki make-up syndrome. Identifiers: Orphanet 2322, MedGen C0796004, MONDO:0016512.

Submission:

Labcorp Genetics (formerly Invitae), Labcorp
Classification: Uncertain significance for Kabuki syndrome. Last evaluated: 2026-01-06. Review status: criteria provided, single submitter. Criteria: Invitae Variant Classification Sherloc (09022015). Collection method: clinical testing. Allele origin: germline.
Comment: This sequence change replaces serine, which is neutral and polar, with arginine, which is basic and polar, at codon 1092 of the KMT2D protein (p.Ser1092Arg). This variant is not present in population databases (gnomAD no frequency). This variant has not been reported in the literature in individuals affected with KMT2D-related conditions. Invitae Evidence Modeling of protein sequence and biophysical properties (such as structural, functional, and spatial information, amino acid conservation, physicochemical variation, residue mobility, and thermodynamic stability) indicates that this missense variant is not expected to disrupt KMT2D protein function with a negative predictive value of 95%. In summary, the available evidence is currently insufficient to determine the role of this variant in disease. Therefore, it has been classified as a Variant of Uncertain Significance.